The following is an entry in ClinVar:

NM_004168.4(SDHA):c.64-16T>G

Gene: SDHA (succinate dehydrogenase complex flavoprotein subunit A; plus strand). Cytogenetic location: 5p15.33.
Variant type: single nucleotide variant.
Coding change: c.64-16T>G on transcript NM_004168.4 (MANE Select); 16 bases into the intron before coding-DNA position 64, T replaced by G.
Molecular consequence: intron variant.
Genome position (GRCh38, 1-based): chr5:223,466, T>G. VCF-style: chr5-223466-T-G. GRCh37 (hg19) VCF-style: chr5-223581-T-G.
Other names: c.64-16T>G (NM_001330758.2, NM_001294332.2).
Identifiers: ClinVar variation 2937504 (VCV002937504.3), dbSNP rs1436564476, ClinGen allele CA808820778.

ClinVar aggregate classification (germline): Uncertain significance (1 of 4 stars; one submission).

Conditions:
Mitochondrial complex II deficiency, nuclear type 1. Also called: SUCCINATE CoQ REDUCTASE DEFICIENCY. Identifiers: Orphanet 3208, MedGen C5700310, MONDO:0100294, OMIM 252011.
Pheochromocytoma/paraganglioma syndrome 5. Also called: Paragangliomas 5; SDHA-Related Hereditary Paraganglioma-Pheochromocytoma Syndrome. Identifiers: Orphanet 29072, MedGen C3279992, MONDO:0013602, OMIM 614165.

Allele frequency attached by ClinVar (database versions not stated): TOPMed below 0.00001; gnomAD 0.00001.
gnomAD v4.1: 1 of 1,578,404 alleles (0.000063%); highest among the groups gnomAD compares: African/African-American, 0.0013%; no homozygotes.

Submission:

Labcorp Genetics (formerly Invitae), Labcorp
Classification: Uncertain significance for Pheochromocytoma/paraganglioma syndrome 5; Mitochondrial complex II deficiency, nuclear type 1. Last evaluated: 2025-12-22. Review status: criteria provided, single submitter. Criteria: Invitae Variant Classification Sherloc (09022015). Collection method: clinical testing. Allele origin: germline.
Comment: This sequence change falls in intron 1 of the SDHA gene. It does not directly change the encoded amino acid sequence of the SDHA protein. This variant is not present in population databases (gnomAD no frequency). This variant has not been reported in the literature in individuals affected with SDHA-related conditions. ClinVar contains an entry for this variant (Variation ID: 2937504). Algorithms developed to predict the effect of sequence changes on RNA splicing suggest that this variant may disrupt the consensus splice site. In summary, the available evidence is currently insufficient to determine the role of this variant in disease. Therefore, it has been classified as a Variant of Uncertain Significance.